The following is an entry in ClinVar:

ClinVar aggregate classification (germline): Uncertain significance (1 of 4 stars; one submission).

Submission:

Ambry Genetics
Classification: Uncertain significance. Last evaluated: 2023-07-05. Review status: criteria provided, single submitter. Criteria: Ambry Variant Classification Scheme 2023. Collection method: clinical testing. Allele origin: germline.
Comment: The p.G1090V variant (also known as c.3269G>T), located in coding exon 27 of the A2ML1 gene, results from a G to T substitution at nucleotide position 3269. The glycine at codon 1090 is replaced by valine, an amino acid with dissimilar properties. This amino acid position is conserved. In addition, this alteration is predicted to be deleterious by in silico analysis. Since supporting evidence is limited at this time, the clinical significance of this alteration remains unclear.

NM_144670.6(A2ML1):c.3269G>T (p.Gly1090Val)

Gene: A2ML1 (alpha-2-macroglobulin like 1; plus strand). Cytogenetic location: 12p13.31.
Variant type: single nucleotide variant.
Coding change: c.3269G>T on transcript NM_144670.6 (MANE Select); coding-DNA position 3269, G replaced by T.
Protein change: p.Gly1090Val; replaces glycine 1090 with valine.
Molecular consequence: missense variant.
Genome position (GRCh38, 1-based): chr12:8,860,885, G>T. VCF-style: chr12-8860885-G-T. GRCh37 (hg19) VCF-style: chr12-9013481-G-T.
Other names: c.1796G>T, p.Gly599Val (NM_001282424.3); short protein forms G599V, G1090V.
Identifiers: ClinVar variation 2626056 (VCV002626056.2), dbSNP rs200964353, ClinGen allele CA383840092.